The following is an entry in ClinVar:

ClinVar aggregate classification (germline): Uncertain significance. Review status: criteria provided, multiple submitters, no conflicts (2 of 4 stars). 2 submissions from 2 submitters: Uncertain significance (2). Last evaluated 2025-05-29.

Conditions:
Hereditary cancer-predisposing syndrome. Also called: Tumor predisposition; Neoplastic Syndromes, Hereditary; Hereditary neoplastic syndrome; Hereditary Cancer Syndrome. Identifiers: Orphanet 140162, MedGen C0027672, MeSH D009386, MONDO:0015356.
Oligodontia-cancer predisposition syndrome. Also called: TOOTH AGENESIS-COLORECTAL CANCER SYNDROME. Identifiers: Orphanet 300576, MedGen C1837750, MONDO:0012075, OMIM 608615. Disease mechanism: loss of function.

Allele frequency attached by ClinVar (database versions not stated): gnomAD exomes below 0.00001.

Submissions (2):

Ambry Genetics
Classification: Uncertain significance for Hereditary cancer-predisposing syndrome. Last evaluated: 2025-05-29. Review status: criteria provided, single submitter. Criteria: Ambry Variant Classification Scheme 2023. Collection method: clinical testing. Allele origin: germline.
Comment: The p.F791L variant (also known as c.2371T>C), located in coding exon 9 of the AXIN2 gene, results from a T to C substitution at nucleotide position 2371. The phenylalanine at codon 791 is replaced by leucine, an amino acid with highly similar properties. This amino acid position is conserved. In addition, this alteration is predicted to be deleterious by in silico analysis. Based on the available evidence, the clinical significance of this variant remains unclear.

Labcorp Genetics (formerly Invitae), Labcorp
Classification: Uncertain significance for Oligodontia-cancer predisposition syndrome. Last evaluated: 2021-09-16. Review status: criteria provided, single submitter. Criteria: Invitae Variant Classification Sherloc (09022015). Collection method: clinical testing. Allele origin: germline.
Comment: This sequence change replaces phenylalanine with leucine at codon 791 of the AXIN2 protein (p.Phe791Leu). The phenylalanine residue is highly conserved and there is a small physicochemical difference between phenylalanine and leucine. In summary, the available evidence is currently insufficient to determine the role of this variant in disease. Therefore, it has been classified as a Variant of Uncertain Significance. Algorithms developed to predict the effect of missense changes on protein structure and function are either unavailable or do not agree on the potential impact of this missense change (SIFT: "Deleterious"; PolyPhen-2: "Probably Damaging"; Align-GVGD: "Class C15"). This variant has not been reported in the literature in individuals affected with AXIN2-related conditions. This variant is not present in population databases (ExAC no frequency).

NM_004655.4(AXIN2):c.2371T>C (p.Phe791Leu)

Gene: AXIN2 (axin 2; minus strand). Cytogenetic location: 17q24.1.
Variant type: single nucleotide variant.
Coding change: c.2371T>C on transcript NM_004655.4 (MANE Select); coding-DNA position 2371, T replaced by C.
Protein change: p.Phe791Leu; replaces phenylalanine 791 with leucine.
Molecular consequence: missense variant.
Genome position (GRCh38, 1-based): chr17:65,533,946, A>G on the plus strand (T>C on the coding strand, the complement: AXIN2 is on the minus strand). VCF-style: chr17-65533946-A-G. GRCh37 (hg19) VCF-style: chr17-63530064-A-G.
Other names: c.2371T>C (NM_004655.3); c.2176T>C, p.Phe726Leu (NM_001363813.1); short protein forms F726L, F791L.
Identifiers: ClinVar variation 1517697 (VCV001517697.7), dbSNP rs2144418555, ClinGen allele CA400675395.